The following is an entry in ClinVar:

NM_006158.5(NEFL):c.1252G>A (p.Val418Ile)

Gene: NEFL (neurofilament light chain; minus strand). Cytogenetic location: 8p21.2.
Variant type: single nucleotide variant.
Coding change: c.1252G>A on transcript NM_006158.5 (MANE Select); coding-DNA position 1252, G replaced by A.
Protein change: p.Val418Ile; replaces valine 418 with isoleucine.
Molecular consequence: missense variant.
Genome position (GRCh38, 1-based): chr8:24,953,713, C>T on the plus strand (G>A on the coding strand, the complement: NEFL is on the minus strand). VCF-style: chr8-24953713-C-T. GRCh37 (hg19) VCF-style: chr8-24811227-C-T.
Other names: short protein forms V418I.
Identifiers: ClinVar variation 4682354 (VCV004682354.1).

ClinVar aggregate classification (germline): Uncertain significance (1 of 4 stars; one submission).

Submission:

Athena Diagnostics
Classification: Uncertain significance. Last evaluated: 2025-04-16. Review status: criteria provided, single submitter. Criteria: Athena Diagnostics Criteria. Collection method: clinical testing. Allele origin: unknown.
Comment: Available data are insufficient to determine the clinical significance of the variant at this time. This variant has not been reported in large, multi-ethnic general populations. Polyphen and SIFT predict this amino acid change may be benign.